The following is an entry in ClinVar:

ClinVar aggregate classification (germline): Conflicting classifications of pathogenicity. Review status: criteria provided, conflicting classifications (1 of 4 stars). 3 submissions from 3 submitters: Uncertain significance (2); Likely benign (1). Last evaluated 2026-03-23.

Conditions:
Inborn genetic diseases. Identifiers: MedGen C0950123, MeSH D030342.
KMT2A-related disorder. Also called: KMT2A-related condition.

Allele frequency attached by ClinVar (database versions not stated): ExAC 0.00001; gnomAD exomes 0.00001 and 0.00002; gnomAD 0.00010 and 0.00014; 1000 Genomes Project 30x 0.00016; 1000 Genomes Project 0.00020; TOPMed 0.00021.
gnomAD v4.1: 42 of 1,614,150 alleles (0.0026%); highest among the groups gnomAD compares: Admixed American, 0.033%; no homozygotes.

Submissions (3):

PreventionGenetics, part of Exact Sciences
Classification: Uncertain significance for KMT2A-related condition. Last evaluated: 2026-03-23. Review status: criteria provided, single submitter. Criteria: ACMG Guidelines, 2015. Collection method: clinical testing. Allele origin: germline.
Comment: The KMT2A c.10803G>C variant is predicted to result in the amino acid substitution p.Gln3601His. To our knowledge, this variant has not been reported in the literature. This variant is reported in 0.0058% of alleles in individuals of Latino descent in gnomAD. At this time, the clinical significance of this variant is uncertain due to the absence of conclusive functional and genetic evidence.

Labcorp Genetics (formerly Invitae), Labcorp
Classification: Uncertain significance. Last evaluated: 2026-01-12. Review status: criteria provided, single submitter. Criteria: Invitae Variant Classification Sherloc (09022015). Collection method: clinical testing. Allele origin: germline.
Comment: This sequence change replaces glutamine, which is neutral and polar, with histidine, which is basic and polar, at codon 3601 of the KMT2A protein (p.Gln3601His). This variant is present in population databases (rs528682281, gnomAD 0.006%). This variant has not been reported in the literature in individuals affected with KMT2A-related conditions. ClinVar contains an entry for this variant (Variation ID: 1387777). Invitae Evidence Modeling of protein sequence and biophysical properties (such as structural, functional, and spatial information, amino acid conservation, physicochemical variation, residue mobility, and thermodynamic stability) indicates that this missense variant is not expected to disrupt KMT2A protein function with a negative predictive value of 95%. In summary, the available evidence is currently insufficient to determine the role of this variant in disease. Therefore, it has been classified as a Variant of Uncertain Significance.

Ambry Genetics
Classification: Likely benign for Inborn genetic diseases. Last evaluated: 2021-12-15. Review status: criteria provided, single submitter. Criteria: Ambry Variant Classification Scheme 2023. Collection method: clinical testing. Allele origin: germline.

NM_001197104.2(KMT2A):c.10803G>C (p.Gln3601His)

Gene: KMT2A (lysine methyltransferase 2A; plus strand). Cytogenetic location: 11q23.3.
Variant type: single nucleotide variant.
Coding change: c.10803G>C on transcript NM_001197104.2 (MANE Select); coding-DNA position 10803, G replaced by C.
Protein change: p.Gln3601His; replaces glutamine 3601 with histidine.
Molecular consequence: missense variant.
Genome position (GRCh38, 1-based): chr11:118,507,577, G>C. VCF-style: chr11-118507577-G-C. GRCh37 (hg19) VCF-style: chr11-118378292-G-C.
Other names: c.10794G>C, p.Gln3598His (NM_005933.4); c.10803G>C (NM_001197104.1); short protein forms Q3598H, Q3601H.
Identifiers: ClinVar variation 1387777 (VCV001387777.9), dbSNP rs528682281, ClinGen allele CA6304827.